The following is an entry in ClinVar:

NM_005188.4(CBL):c.1927C>T (p.Leu643=)

Gene: CBL (Cbl proto-oncogene; plus strand). Cytogenetic location: 11q23.3.
Variant type: single nucleotide variant.
Coding change: c.1927C>T on transcript NM_005188.4 (MANE Select); coding-DNA position 1927, C replaced by T.
Protein change: p.Leu643=; no amino-acid change (leucine 643 retained).
Molecular consequence: synonymous variant.
Genome position (GRCh38, 1-based): chr11:119,285,552, C>T. VCF-style: chr11-119285552-C-T. GRCh37 (hg19) VCF-style: chr11-119156262-C-T.
Other names: p.Leu643Leu; c.1927C>T (NM_005188.2).
Identifiers: ClinVar variation 477698 (VCV000477698.17), dbSNP rs139939244, ClinGen allele CA6318627.
Genomic context (GRCh38, chr11:119,285,552, plus strand): 5'-TCATTGCCCTCACAAATGGAGCCCAGACCAGATGTGCCTAGGCTCGGAAGCACGTTCAGT[C>T]TGGATACCTCCATGGTGAGTCTTAATTTTGAAACTATCTAACCTGTTAAGAAATATGTGT-3'
Protein context (NP_005179.2, residues 633-653): DVPRLGSTFS[Leu643=]DTSMSMNSSP

ClinVar aggregate classification (germline): Likely benign. Review status: criteria provided, multiple submitters, no conflicts (2 of 4 stars). 5 submissions from 5 submitters: Likely benign (5). Last evaluated 2025-12-08.

Conditions:
Juvenile myelomonocytic leukemia (JMML). Also called: LEUKEMIA, JUVENILE MYELOMONOCYTIC, SOMATIC. Identifiers: Orphanet 86834, MedGen C0349639, MONDO:0011908, OMIM 607785, HP:0012209.
CBL-related disorder. Also called: CBL MUTATION-ASSOCIATED SYNDROME; CBL SYNDROME; NOONAN SYNDROME-LIKE DISORDER WITHOUT JUVENILE MYELOMONOCYTIC LEUKEMIA. Identifiers: Orphanet 363972, MedGen C3150803, MONDO:0013308, OMIM 613563.
Cardiovascular phenotype. Identifiers: MedGen CN230736.
RASopathy. Also called: rasopathies; Noonan spectrum disorder. Identifiers: Orphanet 536391, MedGen C5555857, MONDO:0021060.

Allele frequency attached by ClinVar (database versions not stated): gnomAD 0.00002; gnomAD exomes 0.00003 and 0.00005; ExAC 0.00004; TOPMed 0.00004; ESP Exome Variant Server 0.00015.
gnomAD v4.1: 86 of 1,613,916 alleles (0.0053%); highest among the groups gnomAD compares: Non-Finnish European, 0.0063%; no homozygotes.

Submissions (5):

Labcorp Genetics (formerly Invitae), Labcorp
Classification: Likely benign for RASopathy. Last evaluated: 2025-12-08. Review status: criteria provided, single submitter. Criteria: Invitae Variant Classification Sherloc (09022015). Collection method: clinical testing. Allele origin: germline.

Ambry Genetics
Classification: Likely benign for Cardiovascular phenotype. Last evaluated: 2024-04-27. Review status: criteria provided, single submitter. Criteria: Ambry Variant Classification Scheme 2023. Collection method: clinical testing. Allele origin: germline.

Blueprint Genetics
Classification: Likely benign. Last evaluated: 2024-02-02. Review status: criteria provided, single submitter. Criteria: ACMG Guidelines, 2015. Collection method: clinical testing. Allele origin: germline.

Fulgent Genetics
Classification: Likely benign for Juvenile myelomonocytic leukemia; CBL-related disorder. Last evaluated: 2021-07-27. Review status: criteria provided, single submitter. Criteria: ACMG Guidelines, 2015. Collection method: clinical testing. Allele origin: unknown.

Laboratory for Molecular Medicine, Mass General Brigham Personalized Medicine
Classification: Likely benign. Last evaluated: 2012-03-19. Review status: criteria provided, single submitter. Criteria: LMM Criteria. Collection method: clinical testing. Allele origin: germline. Observed: 1 variant allele.
Comment: p.Leu643Leu in Exon 11 of CBL: This variant is not expected to have clinical sig nificance because it does not alter an amino acid residue, is not located within the splice consensus sequence. It has been identified in 1/3738 African America n chromosomes from a broad population by the NHLBI Exome Sequencing Project (dbSNP rs139939244).